The following is an entry in ClinVar:

ClinVar aggregate classification (germline): Benign/Likely benign. Review status: criteria provided, multiple submitters, no conflicts (2 of 4 stars). 10 submissions from 10 submitters: Benign (2); Likely benign (4). 4 of the submissions do not count toward it. Last evaluated 2026-03-01.

Conditions:
PRDM16-related disorder. Also called: PRDM16-related condition.
Left ventricular noncompaction 8 (LVNC8). Identifiers: Orphanet 154, Orphanet 54260, MedGen C3809288, MONDO:0014152, OMIM 615373.

Allele frequency attached by ClinVar (database versions not stated): ESP Exome Variant Server 0.00019; 1000 Genomes Project 30x 0.00031; gnomAD 0.00035 and 0.00036; TOPMed 0.00036; gnomAD exomes 0.00068; ExAC 0.00230.
gnomAD v4.1: 554 of 1,495,928 alleles (0.037%); highest among the groups gnomAD compares: Middle Eastern, 0.25%; 5 homozygotes.

Submissions (10):

CeGaT Center for Human Genetics Tuebingen
Classification: Likely benign. Last evaluated: 2026-03-01. Review status: criteria provided, single submitter. Criteria: CeGaT Center For Human Genetics Tuebingen Variant Classification Criteria Version 2. Collection method: clinical testing. Allele origin: germline. Affected: yes. Observed: 4 variant alleles.
Comment: PRDM16: BP4, BP7

Labcorp Genetics (formerly Invitae), Labcorp
Classification: Benign for Left ventricular noncompaction 8. Last evaluated: 2025-12-23. Review status: criteria provided, single submitter. Criteria: Invitae Variant Classification Sherloc (09022015). Collection method: clinical testing. Allele origin: germline.

Women's Health and Genetics/Laboratory Corporation of America, LabCorp
Classification: Benign. Last evaluated: 2025-06-27. Review status: criteria provided, single submitter. Criteria: LabCorp Variant Classification Summary - May 2015. Collection method: clinical testing. Allele origin: germline.
Comment: Variant summary: PRDM16 c.2508C>T alters a conserved nucleotide resulting in a synonymous change. Several computational tools predict a significant impact on normal splicing: Four predict the variant creates a cryptic 5' donor site. However, these predictions have yet to be confirmed by functional studies. The variant allele was found at a frequency of 0.00068 in 103720 control chromosomes, predominantly at a frequency of 0.0013 within the South Asian subpopulation in the gnomAD database, including 1 homozygote. The observed variant frequency within South Asian control individuals in the gnomAD database is approximately 26 fold of the estimated maximal expected allele frequency for a pathogenic variant in PRDM16 causing Cardiomyopathy phenotype (5e-05). To our knowledge, no occurrence of c.2508C>T in individuals affected with Cardiomyopathy and no experimental evidence demonstrating its impact on protein function have been reported. ClinVar contains an entry for this variant (Variation ID: 449703). Based on the evidence outlined above, the variant was classified as benign.

Blueprint Genetics
Classification: Likely benign. Last evaluated: 2024-11-13. Review status: criteria provided, single submitter. Criteria: ACMG Guidelines, 2015. Collection method: clinical testing. Allele origin: germline.

GeneDx
Classification: Likely benign. Last evaluated: 2020-10-15. Review status: criteria provided, single submitter. Criteria: GeneDx Variant Classification Process June 2021. Collection method: clinical testing. Allele origin: germline. Affected: yes.

Breakthrough Genomics
Classification: Likely benign. Review status: criteria provided, single submitter. Criteria: ACMG Guidelines, 2015. Collection method: not provided. Allele origin: germline. Inheritance: Autosomal dominant inheritance. Affected: yes.

PreventionGenetics, part of Exact Sciences
Classification: Likely benign for PRDM16-related condition. Last evaluated: 2024-09-18. Review status: no assertion criteria provided. Collection method: clinical testing. Allele origin: germline. Not counted in ClinVar's aggregate classification.
Comment: This variant is classified as likely benign based on ACMG/AMP sequence variant interpretation guidelines (Richards et al. 2015 PMID: 25741868, with internal and published modifications).

Clinical Genetics DNA and cytogenetics Diagnostics Lab, Erasmus MC, Erasmus Medical Center
Classification: Likely benign. Review status: no assertion criteria provided. Collection method: clinical testing. Allele origin: germline. Affected: yes. Study: VKGL Data-share Consensus. Not counted in ClinVar's aggregate classification.

Clinical Genetics, Academic Medical Center
Classification: Likely benign. Review status: no assertion criteria provided. Collection method: clinical testing. Allele origin: germline. Affected: yes. Study: VKGL Data-share Consensus. Not counted in ClinVar's aggregate classification.

Joint Genome Diagnostic Labs from Nijmegen and Maastricht, Radboudumc and MUMC+
Classification: Likely benign. Review status: no assertion criteria provided. Collection method: clinical testing. Allele origin: germline. Affected: yes. Study: VKGL Data-share Consensus. Not counted in ClinVar's aggregate classification.

NM_022114.4(PRDM16):c.2508C>T (p.Gly836=)

Gene: PRDM16 (PR/SET domain 16; plus strand). Cytogenetic location: 1p36.32.
Variant type: single nucleotide variant.
Coding change: c.2508C>T on transcript NM_022114.4 (MANE Select); coding-DNA position 2508, C replaced by T.
Protein change: p.Gly836=; no amino-acid change (glycine 836 retained).
Molecular consequence: synonymous variant.
Genome position (GRCh38, 1-based): chr1:3,412,705, C>T. VCF-style: chr1-3412705-C-T. GRCh37 (hg19) VCF-style: chr1-3329269-C-T.
Other names: c.2508C>T, p.Gly836= (NM_199454.3).
Identifiers: ClinVar variation 449703 (VCV000449703.46), dbSNP rs374271999, ClinGen allele CA544495.